The following is an entry in ClinVar:

NM_000075.4(CDK4):c.219-11A>T

Gene: CDK4 (cyclin dependent kinase 4; minus strand). Cytogenetic location: 12q14.1.
Variant type: single nucleotide variant.
Coding change: c.219-11A>T on transcript NM_000075.4 (MANE Select); 11 bases into the intron before coding-DNA position 219, A replaced by T.
Molecular consequence: intron variant.
Genome position (GRCh38, 1-based): chr12:57,751,353, T>A on the plus strand (A>T on the coding strand, the complement: CDK4 is on the minus strand). VCF-style: chr12-57751353-T-A. GRCh37 (hg19) VCF-style: chr12-58145136-T-A.
Identifiers: ClinVar variation 3378955 (VCV003378955.1).
Genomic context (GRCh38, chr12:57,751,353, plus strand): 5'-TTACCTTGATCTCCCGGTCAGTTCGGGATGTGGCACAGACGTCCATCAGCCTGACCAGAG[T>A]AAATGCTCACTTTTCAATCCCCTTTAACCCAACATGGCCTCTCATTATTTCCTCAGGGTC-3'

ClinVar aggregate classification (germline): Likely benign (1 of 4 stars; one submission).

Conditions:
Melanoma, cutaneous malignant, susceptibility to, 3. Also called: Cutaneous malignant melanoma 3. Identifiers: Orphanet 618, MedGen C1836892, MONDO:0012183, OMIM 609048.

Submission:

Myriad Genetics, Inc.
Classification: Likely benign for Melanoma, cutaneous malignant, susceptibility to, 3. Last evaluated: 2024-09-25. Review status: criteria provided, single submitter. Criteria: Myriad Autosomal Dominant, Autosomal Recessive and X-Linked Classification Criteria (2023). Collection method: clinical testing. Allele origin: unknown.
Comment: This variant is considered likely benign. This variant is intronic and is not expected to impact mRNA splicing.